The following is an entry in ClinVar:

NM_004525.3(LRP2):c.8699-8C>T

Gene: LRP2 (LDL receptor related protein 2; minus strand). Cytogenetic location: 2q31.1.
Variant type: single nucleotide variant.
Coding change: c.8699-8C>T on transcript NM_004525.3 (MANE Select); 8 bases into the intron before coding-DNA position 8699, C replaced by T.
Molecular consequence: intron variant.
Genome position (GRCh38, 1-based): chr2:169,193,900, G>A on the plus strand (C>T on the coding strand, the complement: LRP2 is on the minus strand). VCF-style: chr2-169193900-G-A. GRCh37 (hg19) VCF-style: chr2-170050410-G-A.
Other names: p.?.
Identifiers: ClinVar variation 332124 (VCV000332124.47), dbSNP rs145301652, ClinGen allele CA1953771.

ClinVar aggregate classification (germline): Benign/Likely benign. Review status: criteria provided, multiple submitters, no conflicts (2 of 4 stars). 9 submissions from 9 submitters: Benign (3); Likely benign (3). 3 of the submissions do not count toward it. Last evaluated 2026-02-02.

Conditions:
Donnai-Barrow syndrome. Also called: DBS/FOAR SYNDROME; FACIOOCULOACOUSTICORENAL SYNDROME. Identifiers: Orphanet 2143, MedGen C1857277, MONDO:0009104, OMIM 222448.

Allele frequency attached by ClinVar (database versions not stated): 1000 Genomes Project 30x 0.00172; 1000 Genomes Project 0.00200; TOPMed 0.00362; ESP Exome Variant Server 0.00500.
gnomAD v4.1: 9,228 of 1,614,102 alleles (0.57%); highest among the groups gnomAD compares: Non-Finnish European, 0.65%; 45 homozygotes.

Submissions (9):

Labcorp Genetics (formerly Invitae), Labcorp
Classification: Benign. Last evaluated: 2026-02-02. Review status: criteria provided, single submitter. Criteria: Invitae Variant Classification Sherloc (09022015). Collection method: clinical testing. Allele origin: germline.

CeGaT Center for Human Genetics Tuebingen
Classification: Likely benign. Last evaluated: 2025-08-01. Review status: criteria provided, single submitter. Criteria: CeGaT Center For Human Genetics Tuebingen Variant Classification Criteria Version 2. Collection method: clinical testing. Allele origin: germline. Affected: yes. Observed: 8 variant alleles.
Comment: LRP2: BP4, BS2

Mayo Clinic Laboratories, Mayo Clinic
Classification: Benign. Last evaluated: 2024-12-05. Review status: criteria provided, single submitter. Criteria: ACMG Guidelines, 2015. Collection method: clinical testing. Allele origin: germline. Observed: 1 variant allele.
Comment: BS1, BS2, BP4, BP7

Fulgent Genetics
Classification: Likely benign for Donnai-Barrow syndrome. Last evaluated: 2021-07-25. Review status: criteria provided, single submitter. Criteria: ACMG Guidelines, 2015. Collection method: clinical testing. Allele origin: unknown.

Genome-Nilou Lab
Classification: Benign for Donnai-Barrow syndrome. Last evaluated: 2021-07-15. Review status: criteria provided, single submitter. Criteria: ACMG Guidelines, 2015. Collection method: clinical testing. Allele origin: germline. Affected: no.

Illumina Laboratory Services, Illumina
Classification: Likely benign for Donnai-Barrow syndrome. Last evaluated: 2018-01-13. Review status: criteria provided, single submitter. Criteria: ICSL Variant Classification Criteria 13 December 2019. Collection method: clinical testing. Allele origin: germline.
Comment: This variant was observed in the ICSL laboratory as part of a predisposition screen in an ostensibly healthy population. It had not been previously curated by ICSL or reported in the Human Gene Mutation Database (HGMD: prior to June 1st, 2018), and was therefore a candidate for classification through an automated scoring system. Utilizing variant allele frequency, disease prevalence and penetrance estimates, and inheritance mode, an automated score was calculated to assess if this variant is too frequent to cause the disease. Based on the score and internal cut-off values, a variant classified as likely benign is not then subjected to further curation. The score for this variant resulted in a classification of likely benign for this disease.

Clinical Genetics DNA and cytogenetics Diagnostics Lab, Erasmus MC, Erasmus Medical Center
Classification: Likely benign. Review status: no assertion criteria provided. Collection method: clinical testing. Allele origin: germline. Affected: yes. Study: VKGL Data-share Consensus. Not counted in ClinVar's aggregate classification.

Diagnostic Laboratory, Department of Genetics, University Medical Center Groningen
Classification: Likely benign. Review status: no assertion criteria provided. Collection method: clinical testing. Allele origin: germline. Affected: yes. Study: VKGL Data-share Consensus. Not counted in ClinVar's aggregate classification.

Laboratory of Diagnostic Genome Analysis, Leiden University Medical Center (LUMC)
Classification: Likely benign. Review status: no assertion criteria provided. Collection method: clinical testing. Allele origin: germline. Affected: yes. Study: VKGL Data-share Consensus. Not counted in ClinVar's aggregate classification.